The following is an entry in ClinVar:

ClinVar aggregate classification (germline): Likely benign. Review status: criteria provided, multiple submitters, no conflicts (2 of 4 stars). 2 submissions from 2 submitters: Likely benign (2). Last evaluated 2018-06-14.

Allele frequency attached by ClinVar (database versions not stated): ESP Exome Variant Server 0.00146; gnomAD 0.00152 and 0.00212; TOPMed 0.00170; gnomAD exomes 0.00297 and 0.00381; ExAC 0.00401; 1000 Genomes Project 30x 0.00687; 1000 Genomes Project 0.00719.

Submissions (2):

GeneDx
Classification: Likely benign. Last evaluated: 2018-06-14. Review status: criteria provided, single submitter. Criteria: GeneDx Variant Classification (06012015). Collection method: clinical testing. Allele origin: germline. Affected: yes.
Comment: This variant is considered likely benign or benign based on one or more of the following criteria: it is a conservative change, it occurs at a poorly conserved position in the protein, it is predicted to be benign by multiple in silico algorithms, and/or has population frequency not consistent with disease.

Breakthrough Genomics
Classification: Likely benign. Review status: criteria provided, single submitter. Criteria: ACMG Guidelines, 2015. Collection method: not provided. Allele origin: germline. Inheritance: Autosomal recessive inheritance. Affected: yes.

NM_001040436.3(YARS2):c.779+51C>G

Gene: YARS2 (tyrosyl-tRNA synthetase 2; minus strand). Cytogenetic location: 12p11.21.
Variant type: single nucleotide variant.
Coding change: c.779+51C>G on transcript NM_001040436.3 (MANE Select); 51 bases into the intron after coding-DNA position 779, C replaced by G.
Molecular consequence: intron variant.
Genome position (GRCh38, 1-based): chr12:32,755,045, G>C on the plus strand (C>G on the coding strand, the complement: YARS2 is on the minus strand). VCF-style: chr12-32755045-G-C. GRCh37 (hg19) VCF-style: chr12-32907979-G-C.
Identifiers: ClinVar variation 674451 (VCV000674451.2), dbSNP rs183836837, ClinGen allele CA6508097.